The following is an entry in ClinVar:

ClinVar aggregate classification (germline): Benign (1 of 4 stars; one submission).

Allele frequency attached by ClinVar (database versions not stated): 1000 Genomes Project 0.00120; 1000 Genomes Project 30x 0.00141; ESP Exome Variant Server 0.00219; ExAC 0.00668; gnomAD exomes 0.00821.
gnomAD v4.1: 12,867 of 1,610,936 alleles (0.8%); highest among the groups gnomAD compares: Non-Finnish European, 0.95%; 69 homozygotes.

Submission:

CeGaT Center for Human Genetics Tuebingen
Classification: Benign. Last evaluated: 2023-01-01. Review status: criteria provided, single submitter. Criteria: CeGaT Center For Human Genetics Tuebingen Variant Classification Criteria Version 2. Collection method: clinical testing. Allele origin: germline. Affected: yes. Observed: 1 variant allele.
Comment: KLC4: BS1, BS2

NM_201521.3(KLC4):c.-26+627T>C

Gene: KLC4 (kinesin light chain 4; plus strand). Cytogenetic location: 6p21.1.
Variant type: single nucleotide variant.
Coding change: c.-26+627T>C on transcript NM_201521.3 (MANE Select); 627 bases into the intron after 26 bases upstream of the start codon, T replaced by C.
Molecular consequence: intron variant.
Genome position (GRCh38, 1-based): chr6:43,060,312, T>C. VCF-style: chr6-43060312-T-C. GRCh37 (hg19) VCF-style: chr6-43028050-T-C.
Other names: c.-26+627T>C (NM_001289035.2, NM_138343.4); c.-114+36T>C (NM_201522.3); c.29+74T>C (NM_201523.3); c.-26+130T>C (NM_001289034.2).
Identifiers: ClinVar variation 2656575 (VCV002656575.24), dbSNP rs62417468, ClinGen allele CA3814902.
Genomic context (GRCh38, chr6:43,060,312, plus strand): 5'-CCCTTTCCCAGACACGCCTCTTGCTGTAGGTCTCTGGTTAAGTCTCTCTCTCTCATTCCC[T>C]TCCTGGGAGACAGTAGCTCCCTAGGCCTGCAATGAGGGAGGCTGGCTTGGGGAAGGAGAC-3'